The following is an entry in ClinVar:

ClinVar aggregate classification (germline): Pathogenic. Review status: criteria provided, multiple submitters, no conflicts (2 of 4 stars). 3 submissions from 3 submitters: Pathogenic (2). 1 of the submissions does not count toward it. Last evaluated 2023-12-15.

Conditions:
TSC1-related disorder. Also called: TSC1-related condition.
Hereditary cancer-predisposing syndrome. Also called: Tumor predisposition; Neoplastic Syndromes, Hereditary; Hereditary neoplastic syndrome; Hereditary Cancer Syndrome. Identifiers: Orphanet 140162, MedGen C0027672, MeSH D009386, MONDO:0015356.
Tuberous sclerosis syndrome (TSC). Also called: Tuberous Sclerosis Complex; Tuberous sclerosis. Identifiers: Orphanet 805, MedGen C0041341, MONDO:0001734.

Submissions (3):

Ambry Genetics
Classification: Pathogenic for Hereditary cancer-predisposing syndrome. Last evaluated: 2023-12-15. Review status: criteria provided, single submitter. Criteria: Ambry Variant Classification Scheme 2023. Collection method: clinical testing. Allele origin: germline.
Comment: The p.Y195* pathogenic mutation (also known as c.585C>A), located in coding exon 5 of the TSC1 gene, results from a C to A substitution at nucleotide position 585. This changes the amino acid from a tyrosine to a stop codon within coding exon 5. This variant was identified in an individual with a personal history consistent with TSC1-related disease and was determined to be the result of a de novo mutation or germline mosaicism (Suspitsin EN et al. J Hum Genet, 2018 May;63:597-604). This variant is considered to be rare based on population cohorts in the Genome Aggregation Database (gnomAD). In addition to the clinical data presented in the literature, this alteration is expected to result in loss of function by premature protein truncation or nonsense-mediated mRNA decay. As such, this alteration is interpreted as a disease-causing mutation.

Blueprint Genetics
Classification: Pathogenic for TSC1-related disorders. Last evaluated: 2020-11-02. Review status: criteria provided, single submitter. Criteria: ACMG Guidelines, 2015. Collection method: clinical testing. Allele origin: germline. Affected: yes. Observed: 1 variant allele.

Tuberous sclerosis database (TSC1)
No classification provided. Condition: TSC. Review status: no classification provided. Criteria: Tuberous Sclerosis Database Assertion Criteria 2015. Collection method: curation. Allele origin: germline. Affected: yes. Not counted in ClinVar's aggregate classification.

Literature cited by the submitters: PubMed 29476190 (cited by Ambry Genetics).

NM_000368.5(TSC1):c.585C>A (p.Tyr195Ter)

Gene: TSC1 (TSC complex subunit 1; minus strand). Cytogenetic location: 9q34.13.
Variant type: single nucleotide variant.
Coding change: c.585C>A on transcript NM_000368.5 (MANE Select); coding-DNA position 585, C replaced by A.
Protein change: p.Tyr195Ter; replaces tyrosine 195 with a stop codon.
Molecular consequence: nonsense.
Genome position (GRCh38, 1-based): chr9:132,921,897, G>T on the plus strand (C>A on the coding strand, the complement: TSC1 is on the minus strand). VCF-style: chr9-132921897-G-T. GRCh37 (hg19) VCF-style: chr9-135797284-G-T.
Other names: c.585C>A, p.Tyr195Ter (NM_001162426.2); c.432C>A, p.Tyr144Ter (NM_001162427.2); c.222C>A, p.Tyr74Ter (NM_001362177.2); short protein forms Y195*, Y74*, Y144*.
Identifiers: ClinVar variation 49064 (VCV000049064.4), dbSNP rs118203407, ClinGen allele CA007821.
Genomic context (GRCh38, chr9:132,921,897, plus strand): 5'-AGTCTCCAGGTTTTCTTTCATACTGTAATGAGAACGCAAAAAGGAGACGAAGTTGCAAGG[G>T]TACATTCCATAAAGGCGATGAAAGAGTGCGTACACACTGGCATGGAGATGGACGAGATAG-3'